The following is an entry in ClinVar:

NM_022455.5(NSD1):c.1558G>A (p.Ala520Thr)

Gene: NSD1 (nuclear receptor binding SET domain protein 1; plus strand). Cytogenetic location: 5q35.3.
Variant type: single nucleotide variant.
Coding change: c.1558G>A on transcript NM_022455.5 (MANE Select); coding-DNA position 1558, G replaced by A.
Protein change: p.Ala520Thr; replaces alanine 520 with threonine.
Molecular consequence: missense variant.
Genome position (GRCh38, 1-based): chr5:177,209,957, G>A. VCF-style: chr5-177209957-G-A. GRCh37 (hg19) VCF-style: chr5-176636958-G-A.
Other names: c.685G>A, p.Ala229Thr (NM_001365684.2, NM_172349.5, NM_001409306.1 and 3 more transcripts); c.1558G>A, p.Ala520Thr (NM_001409301.1, NM_001409302.1, NM_001409303.1); c.1138G>A, p.Ala380Thr (NM_001409304.1); c.805G>A, p.Ala269Thr (NM_001409305.1); short protein forms A520T, A251T, A229T, A269T, A380T.
Identifiers: ClinVar variation 159269 (VCV000159269.51), dbSNP rs559617787, ClinGen allele CA294803.
Genomic context (GRCh38, chr5:177,209,957, plus strand): 5'-AGAAAGAGCTCTGATAATCCAAAAAGGACTAGTGTGAAAAAGGGCCACATACAATTTGAA[G>A]CACATAAAGATGAACGGAGGGGAAAGATTCCAGAGAACCTTGGCCTAAACTTTATCTCTG-3'
Protein context (NP_071900.2, residues 510-530): SVKKGHIQFE[Ala520Thr]HKDERRGKIP

ClinVar aggregate classification (germline): Conflicting classifications of pathogenicity. Review status: criteria provided, conflicting classifications (1 of 4 stars). 8 submissions from 8 submitters: Uncertain significance (1); Likely benign (7). Last evaluated 2025-12-06.

Conditions:
Sotos syndrome (SOTOS). Also called: CHROMOSOME 5q35 DELETION SYNDROME; CEREBRAL GIGANTISM; Sotos' syndrome; Distinctive facial appearance, overgrowth in childhood, and learning disabilities or delayed development; SOTOS SYNDROME 1. Identifiers: Orphanet 821, MedGen C0175695, MONDO:0019349, OMIM 117550.
Inborn genetic diseases. Identifiers: MedGen C0950123, MeSH D030342.

Allele frequency attached by ClinVar (database versions not stated): gnomAD exomes 0.00024 and 0.00026; 1000 Genomes Project 30x 0.00016; gnomAD 0.00017; TOPMed 0.00018; 1000 Genomes Project 0.00020; ExAC 0.00027.
gnomAD v4.1: 412 of 1,614,092 alleles (0.026%); highest among the groups gnomAD compares: Middle Eastern, 0.21%; 1 homozygote.

Submissions (8):

Dasa
Classification: Likely benign. Last evaluated: 2025-12-06. Review status: criteria provided, single submitter. Criteria: DASA Assertion Criteria. Collection method: clinical testing. Allele origin: germline.
Comment: NM_022455.5(NSD1):c.1558G>A (p.Ala520Thr) is a missense variant that results in the substitution of alanine with threonine. Population frequency is inconsistent with a disease-causing role for this variant, and observations in unaffected individuals support a benign interpretation. Therefore, based on the currently available evidence, this variant is classified as likely benign.

Labcorp Genetics (formerly Invitae), Labcorp
Classification: Likely benign. Last evaluated: 2025-11-28. Review status: criteria provided, single submitter. Criteria: Invitae Variant Classification Sherloc (09022015). Collection method: clinical testing. Allele origin: germline.

Blueprint Genetics
Classification: Likely benign. Last evaluated: 2024-10-16. Review status: criteria provided, single submitter. Criteria: ACMG Guidelines, 2015. Collection method: clinical testing. Allele origin: germline.

CeGaT Center for Human Genetics Tuebingen
Classification: Likely benign. Last evaluated: 2023-09-01. Review status: criteria provided, single submitter. Criteria: CeGaT Center For Human Genetics Tuebingen Variant Classification Criteria Version 2. Collection method: clinical testing. Allele origin: germline. Affected: yes. Observed: 1 variant allele.
Comment: NSD1: BS2

Genome-Nilou Lab
Classification: Likely benign for Sotos syndrome. Last evaluated: 2021-07-15. Review status: criteria provided, single submitter. Criteria: ACMG Guidelines, 2015. Collection method: clinical testing. Allele origin: germline. Affected: no.

GeneDx
Classification: Likely benign. Last evaluated: 2020-06-16. Review status: criteria provided, single submitter. Criteria: GeneDx Variant Classification Process June 2021. Collection method: clinical testing. Allele origin: germline. Affected: yes.
Comment: This variant is associated with the following publications: (PMID: 16247291)

Ambry Genetics
Classification: Likely benign for Inborn genetic diseases. Last evaluated: 2018-06-12. Review status: criteria provided, single submitter. Criteria: Ambry Variant Classification Scheme 2023. Collection method: clinical testing. Allele origin: germline.

Genetic Services Laboratory, University of Chicago
Classification: Uncertain significance for Sotos syndrome 1. Last evaluated: 2013-02-08. Review status: criteria provided, single submitter. Criteria: ACMG Guidelines, 2007. Collection method: clinical testing. Allele origin: germline. Inheritance: Autosomal dominant inheritance.